The following is an entry in ClinVar:

NM_001122955.4(BSCL2):c.984C>T (p.Pro328=)

Genes: BSCL2 (BSCL2 lipid droplet biogenesis associated, seipin; minus strand), HNRNPUL2-BSCL2 (HNRNPUL2-BSCL2 readthrough (NMD candidate); minus strand). Cytogenetic location: 11q12.3.
Variant type: single nucleotide variant.
Coding change: c.984C>T on transcript NM_001122955.4 (MANE Select); coding-DNA position 984, C replaced by T.
Protein change: p.Pro328=; no amino-acid change (proline 328 retained).
Molecular consequence: synonymous variant. On other transcripts: non-coding transcript variant (1), intron variant (1).
Genome position (GRCh38, 1-based): chr11:62,691,301, G>A on the plus strand (C>T on the coding strand, the complement: BSCL2 is on the minus strand). VCF-style: chr11-62691301-G-A. GRCh37 (hg19) VCF-style: chr11-62458773-G-A.
Other names: c.984C>T, p.Pro328= (NM_001386027.1, NM_001386028.1); c.792C>T, p.Pro264= (NM_032667.6); c.672-160C>T (NM_001130702.2).
Identifiers: ClinVar variation 1158791 (VCV001158791.36), dbSNP rs1350933194, ClinGen allele CA475134603.

ClinVar aggregate classification (germline): Likely benign. Review status: criteria provided, multiple submitters, no conflicts (2 of 4 stars). 2 submissions from 2 submitters: Likely benign (2). Last evaluated 2023-03-01.

Conditions:
Charcot-Marie-Tooth disease type 2. Also called: Charcot-Marie-Tooth type 2. Identifiers: Orphanet 64746, MedGen C0270914, MONDO:0018993.

Allele frequency attached by ClinVar (database versions not stated): gnomAD exomes below 0.00001; gnomAD 0.00001.
gnomAD v4.1: 8 of 1,614,022 alleles (0.0005%); highest among the groups gnomAD compares: Non-Finnish European, 0.00059%; no homozygotes.

Submissions (2):

CeGaT Center for Human Genetics Tuebingen
Classification: Likely benign. Last evaluated: 2023-03-01. Review status: criteria provided, single submitter. Criteria: CeGaT Center For Human Genetics Tuebingen Variant Classification Criteria Version 2. Collection method: clinical testing. Allele origin: germline. Affected: yes. Observed: 1 variant allele.
Comment: BSCL2: BP4

Labcorp Genetics (formerly Invitae), Labcorp
Classification: Likely benign for Charcot-Marie-Tooth disease type 2. Last evaluated: 2021-08-15. Review status: criteria provided, single submitter. Criteria: Invitae Variant Classification Sherloc (09022015). Collection method: clinical testing. Allele origin: germline.